The following is an entry in ClinVar:

ClinVar aggregate classification (germline): Uncertain significance. Review status: criteria provided, multiple submitters, no conflicts (2 of 4 stars). 2 submissions from 2 submitters: Uncertain significance (2). Last evaluated 2022-11-04.

Conditions:
Combined immunodeficiency due to DOCK8 deficiency (HIES2). Also called: HYPER-IgE SYNDROME 2, AUTOSOMAL RECESSIVE, WITH RECURRENT INFECTIONS; Hyper-IgE recurrent infection syndrome, autosomal recessive; HYPER-IgE RECURRENT INFECTION SYNDROME 2, AUTOSOMAL RECESSIVE; HIES autosomal recessive; DOCK8 Deficiency. Identifiers: Orphanet 217390, MedGen C4722305, MONDO:0009478, OMIM 243700.

Allele frequency attached by ClinVar (database versions not stated): TOPMed below 0.00001; gnomAD 0.00001; gnomAD exomes 0.00001 and 0.00002; ExAC 0.00002.
gnomAD v4.1: 14 of 1,613,734 alleles (0.00087%); highest among the groups gnomAD compares: South Asian, 0.012%; no homozygotes.

Submissions (2):

Blueprint Genetics
Classification: Uncertain significance. Last evaluated: 2022-11-04. Review status: criteria provided, single submitter. Criteria: ACMG Guidelines, 2015. Collection method: clinical testing. Allele origin: germline.

Labcorp Genetics (formerly Invitae), Labcorp
Classification: Uncertain significance for Combined immunodeficiency due to DOCK8 deficiency. Last evaluated: 2022-06-08. Review status: criteria provided, single submitter. Criteria: Invitae Variant Classification Sherloc (09022015). Collection method: clinical testing. Allele origin: germline.
Comment: In summary, the available evidence is currently insufficient to determine the role of this variant in disease. Therefore, it has been classified as a Variant of Uncertain Significance. Algorithms developed to predict the effect of missense changes on protein structure and function output the following: SIFT: "Tolerated"; PolyPhen-2: "Benign"; Align-GVGD: "Class C0". The valine amino acid residue is found in multiple mammalian species, which suggests that this missense change does not adversely affect protein function. This variant has not been reported in the literature in individuals affected with DOCK8-related conditions. This variant is present in population databases (rs763160551, gnomAD 0.01%). This sequence change replaces isoleucine, which is neutral and non-polar, with valine, which is neutral and non-polar, at codon 504 of the DOCK8 protein (p.Ile504Val).

NM_203447.4(DOCK8):c.1510A>G (p.Ile504Val)

Gene: DOCK8 (dedicator of cytokinesis 8; plus strand). Cytogenetic location: 9p24.3.
Variant type: single nucleotide variant.
Coding change: c.1510A>G on transcript NM_203447.4 (MANE Select); coding-DNA position 1510, A replaced by G.
Protein change: p.Ile504Val; replaces isoleucine 504 with valine.
Molecular consequence: missense variant.
Genome position (GRCh38, 1-based): chr9:339,093, A>G. VCF-style: chr9-339093-A-G. GRCh37 (hg19) VCF-style: chr9-339093-A-G.
Other names: c.1306A>G, p.Ile436Val (NM_001190458.2, NM_001193536.2); short protein forms I504V, I436V.
Identifiers: ClinVar variation 1421991 (VCV001421991.9), dbSNP rs763160551, ClinGen allele CA4957752.